The following is an entry in ClinVar:

ClinVar aggregate classification (germline): Conflicting classifications of pathogenicity. Review status: criteria provided, conflicting classifications (1 of 4 stars). 5 submissions from 5 submitters: Uncertain significance (3); Benign (1). 1 of the submissions does not count toward it. Last evaluated 2026-02-04.

Conditions:
Inborn genetic diseases. Identifiers: MedGen C0950123, MeSH D030342.
Cutis laxa, X-linked (OHS). Also called: EDS IX; Occipital horn syndrome. Identifiers: Orphanet 198, MedGen C0268353, MONDO:0010572, OMIM 304150.
X-linked distal spinal muscular atrophy type 3. Also called: SPINAL MUSCULAR ATROPHY, DISTAL, X-LINKED RECESSIVE; ATP7A-Related Distal Motor Neuropathy; NEURONOPATHY, DISTAL HEREDITARY MOTOR, X-LINKED; NEUROPATHY, DISTAL HEREDITARY MOTOR, X-LINKED. Identifiers: Orphanet 139557, MedGen C1845359, MONDO:0010338, OMIM 300489.
Menkes kinky-hair syndrome (MNK). Also called: Copper transport disease; Menkes Disease; Classic Menkes Disease. Identifiers: Orphanet 565, MedGen C0022716, MONDO:0010651, OMIM 309400.

Allele frequency attached by ClinVar (database versions not stated): ExAC 0.00001; gnomAD exomes 0.00003 and 0.00004; gnomAD 0.00012; TOPMed 0.00016; 1000 Genomes Project 30x 0.00021; 1000 Genomes Project 0.00026.
gnomAD v4.1: 44 of 1,209,709 alleles (0.0036%); highest among the groups gnomAD compares: Admixed American, 0.028%; no homozygotes.

Submissions (5):

Labcorp Genetics (formerly Invitae), Labcorp
Classification: Benign for X-linked distal spinal muscular atrophy type 3; Cutis laxa, X-linked; Menkes kinky-hair syndrome. Last evaluated: 2026-02-04. Review status: criteria provided, single submitter. Criteria: Invitae Variant Classification Sherloc (09022015). Collection method: clinical testing. Allele origin: germline.

Revvity Omics, Revvity
Classification: Uncertain significance. Last evaluated: 2021-07-08. Review status: criteria provided, single submitter. Criteria: ACMG Guidelines, 2015. Collection method: clinical testing. Allele origin: germline.

Ambry Genetics
Classification: Uncertain significance for Inborn genetic diseases. Last evaluated: 2018-07-19. Review status: criteria provided, single submitter. Criteria: Ambry Variant Classification Scheme 2023. Collection method: clinical testing. Allele origin: germline.
Comment: The p.T93M variant (also known as c.278C>T), located in coding exon 2 of the ATP7A gene, results from a C to T substitution at nucleotide position 278. The threonine at codon 93 is replaced by methionine, an amino acid with similar properties. This amino acid position is not well conserved in available vertebrate species. In addition, the in silico prediction for this alteration is inconclusive. Since supporting evidence is limited at this time, the clinical significance of this alteration remains unclear.

GeneDx
Classification: Uncertain significance. Last evaluated: 2016-12-15. Review status: criteria provided, single submitter. Criteria: GeneDx Variant Classification (06012015). Collection method: clinical testing. Allele origin: germline. Affected: yes.
Comment: A variant of uncertain significance has been identified in the ATP7A gene. The T93M variant has not been published as a pathogenic variant, nor has it been reported as a benign variant to our knowledge. This variant was not observed in approximately 6,500 individuals of European and African American ancestry in the NHLBI Exome Sequencing Project, and it was not observed with any significant frequency in the 1000 Genomes Project and Exome Aggregation Consortium, indicating it is not a common benign variant in these populations. The T93M variant is a non-conservative amino acid substitution, which is likely to impact secondary protein structure as these residues differ in polarity, charge, size and/or other properties. However, this substitution occurs at a position that is not conserved across species and in silico analysis predicts this variant likely does not alter the protein structure/function. Therefore, based on the currently available information, it is unclear whether this variant is pathogenic or rare benign.

Natera, Inc.
Classification: Uncertain significance for Menkes kinky hair syndrome. Last evaluated: 2020-02-12. Review status: no assertion criteria provided. Collection method: clinical testing. Allele origin: germline. Not counted in ClinVar's aggregate classification.

NM_000052.7(ATP7A):c.278C>T (p.Thr93Met)

Gene: ATP7A (ATPase copper transporting alpha; plus strand). Cytogenetic location: Xq21.1.
Variant type: single nucleotide variant.
Coding change: c.278C>T on transcript NM_000052.7 (MANE Select); coding-DNA position 278, C replaced by T.
Protein change: p.Thr93Met; replaces threonine 93 with methionine.
Molecular consequence: missense variant.
Genome position (GRCh38, 1-based): chrX:77,988,399, C>T. VCF-style: chrX-77988399-C-T. GRCh37 (hg19) VCF-style: chrX-77243895-C-T.
Other names: c.278C>T, p.Thr93Met (NM_001282224.2); short protein forms T93M.
Identifiers: ClinVar variation 372700 (VCV000372700.16), dbSNP rs539177302, ClinGen allele CA10458904.
Genomic context (GRCh38, chrX:77,988,399, plus strand): 5'-CTGTTATCCATAATCCTGACCCTCTCCCTGTTTTAACTGACACCTTGTTTCTGACTGTTA[C>T]GGCGTCACTGACTTTGCCATGGGACCATATCCAAAGCACATTGCTGAAGACCAAGGGTGT-3'
Protein context (NP_000043.4, residues 83-103): VLTDTLFLTV[Thr93Met]ASLTLPWDHI